The following is an entry in ClinVar:

ClinVar aggregate classification (germline): Uncertain significance (1 of 4 stars; one submission).

gnomAD v4.1: 5 of 1,614,084 alleles (0.00031%); highest among the groups gnomAD compares: African/African-American, 0.0067%; no homozygotes.

Submission:

Labcorp Genetics (formerly Invitae), Labcorp
Classification: Uncertain significance. Last evaluated: 2025-10-02. Review status: criteria provided, single submitter. Criteria: Invitae Variant Classification Sherloc (09022015). Collection method: clinical testing. Allele origin: germline.
Comment: This sequence change replaces threonine, which is neutral and polar, with lysine, which is basic and polar, at codon 1371 of the SETBP1 protein (p.Thr1371Lys). This variant is not present in population databases (gnomAD no frequency). This variant has not been reported in the literature in individuals affected with SETBP1-related conditions. ClinVar contains an entry for this variant (Variation ID: 3681988). Invitae Evidence Modeling of protein sequence and biophysical properties (such as structural, functional, and spatial information, amino acid conservation, physicochemical variation, residue mobility, and thermodynamic stability) indicates that this missense variant is not expected to disrupt SETBP1 protein function with a negative predictive value of 80%. In summary, the available evidence is currently insufficient to determine the role of this variant in disease. Therefore, it has been classified as a Variant of Uncertain Significance.

NM_015559.3(SETBP1):c.4112C>A (p.Thr1371Lys)

Gene: SETBP1 (SET binding protein 1; plus strand). Cytogenetic location: 18q12.3.
Variant type: single nucleotide variant.
Coding change: c.4112C>A on transcript NM_015559.3 (MANE Select); coding-DNA position 4112, C replaced by A.
Protein change: p.Thr1371Lys; replaces threonine 1371 with lysine.
Molecular consequence: missense variant. On other transcripts: intron variant (1).
Genome position (GRCh38, 1-based): chr18:45,038,596, C>A. VCF-style: chr18-45038596-C-A. GRCh37 (hg19) VCF-style: chr18-42618561-C-A.
Other names: c.4112C>A, p.Thr1371Lys (NM_001379141.1, NM_001379142.1); c.4001-24483C>A (NM_001410862.1); short protein forms T1371K.
Identifiers: ClinVar variation 3681988 (VCV003681988.2).